The following is an entry in ClinVar:

ClinVar aggregate classification (germline): Uncertain significance (1 of 4 stars; one submission).

Conditions:
Holoprosencephaly 9 (HPE9). Also called: HOLOPROSENCEPHALY WITH MICROPHTHALMIA AND FIRST BRANCHIAL ARCH ANOMALIES; PITUITARY ANOMALIES WITH HOLOPROSENCEPHALY-LIKE FEATURES. Identifiers: Orphanet 2162, MedGen C1835819, MONDO:0012563, OMIM 610829.
Postaxial polydactyly-anterior pituitary anomalies-facial dysmorphism syndrome. Also called: Culler-Jones syndrome. Identifiers: Orphanet 420584, MedGen C4014479, MONDO:0014369, OMIM 615849.

Allele frequency attached by ClinVar (database versions not stated): TOPMed 0.00002.
gnomAD v4.1: 7 of 1,613,796 alleles (0.00043%); highest among the groups gnomAD compares: African/African-American, 0.0013%; no homozygotes.

Submission:

Labcorp Genetics (formerly Invitae), Labcorp
Classification: Uncertain significance for Postaxial polydactyly-anterior pituitary anomalies-facial dysmorphism syndrome; Holoprosencephaly 9. Last evaluated: 2024-01-12. Review status: criteria provided, single submitter. Criteria: Invitae Variant Classification Sherloc (09022015). Collection method: clinical testing. Allele origin: germline.
Comment: This sequence change replaces arginine, which is basic and polar, with tryptophan, which is neutral and slightly polar, at codon 1470 of the GLI2 protein (p.Arg1470Trp). This variant is present in population databases (no rsID available, gnomAD 0.0009%). This variant has not been reported in the literature in individuals affected with GLI2-related conditions. An algorithm developed to predict the effect of missense changes on protein structure and function (PolyPhen-2) suggests that this variant is likely to be tolerated. In summary, the available evidence is currently insufficient to determine the role of this variant in disease. Therefore, it has been classified as a Variant of Uncertain Significance.

NM_001374353.1(GLI2):c.4357C>T (p.Arg1453Trp)

Gene: GLI2 (GLI family zinc finger 2; plus strand). Cytogenetic location: 2q14.2.
Variant type: single nucleotide variant.
Coding change: c.4357C>T on transcript NM_001374353.1 (MANE Select); coding-DNA position 4357, C replaced by T.
Protein change: p.Arg1453Trp; replaces arginine 1453 with tryptophan.
Molecular consequence: missense variant.
Genome position (GRCh38, 1-based): chr2:120,990,322, C>T. VCF-style: chr2-120990322-C-T. GRCh37 (hg19) VCF-style: chr2-121747898-C-T.
Other names: c.4408C>T, p.Arg1470Trp (NM_001371271.1, NM_005270.5); c.3982C>T, p.Arg1328Trp (NM_001374354.1); short protein forms R1470W, R1328W, R1453W.
Identifiers: ClinVar variation 2928724 (VCV002928724.3), dbSNP rs867533231, ClinGen allele CA54386261.